The following is an entry in ClinVar:

ClinVar aggregate classification (germline): Benign/Likely benign. Review status: criteria provided, multiple submitters, no conflicts (2 of 4 stars). 17 submissions from 16 submitters: Benign (13); Likely benign (1). 3 of the submissions do not count toward it. Last evaluated 2026-02-04.

Conditions:
Autoinflammatory syndrome. Identifiers: Orphanet 93665, MedGen C3890737, MONDO:0019751.
Inborn genetic diseases. Identifiers: MedGen C0950123, MeSH D030342.
Familial Mediterranean fever, autosomal dominant. Also called: FMF, AUTOSOMAL DOMINANT; Dominant Familial Mediterranean Fever. Identifiers: Orphanet 342, MedGen C1851347, MONDO:0007601, OMIM 134610.
Familial Mediterranean fever (FMF). Also called: Periodic peritonitis; Benign paroxysmal peritonitis; POLYSEROSITIS, FAMILIAL PAROXYSMAL; POLYSEROSITIS, RECURRENT. Identifiers: Orphanet 342, MedGen C0031069, MONDO:0018088, OMIM 249100. Disease mechanism: gain of function.

Allele frequency attached by ClinVar (database versions not stated): ESP Exome Variant Server 0.56657; gnomAD 0.58356 and 0.57768; ExAC 0.60267; 1000 Genomes Project 0.63898; gnomAD exomes 0.60482 and 0.56372; 1000 Genomes Project 30x 0.64163; TOPMed 0.59043.
gnomAD v4.1: 912,465 of 1,613,184 alleles (57%); highest among the groups gnomAD compares: South Asian, 71%; 261,122 homozygotes.

Submissions (17):

Labcorp Genetics (formerly Invitae), Labcorp
Classification: Benign for Familial Mediterranean fever. Last evaluated: 2026-02-04. Review status: criteria provided, single submitter. Criteria: Invitae Variant Classification Sherloc (09022015). Collection method: clinical testing. Allele origin: germline.

ARUP Laboratories, Molecular Genetics and Genomics, ARUP Laboratories
Classification: Benign. Last evaluated: 2025-07-30. Review status: criteria provided, single submitter. Criteria: ARUP Molecular Germline Variant Investigation Process 2024. Collection method: clinical testing. Allele origin: germline.

Blueprint Genetics
Classification: Likely benign. Last evaluated: 2024-11-27. Review status: criteria provided, single submitter. Criteria: ACMG Guidelines, 2015. Collection method: clinical testing. Allele origin: germline.

Unidad de Genómica Garrahan, Hospital de Pediatría Garrahan
Classification: Benign. Last evaluated: 2023-11-12. Review status: criteria provided, single submitter. Criteria: ACMG Guidelines, 2015. Collection method: clinical testing. Allele origin: germline. Affected: no. Observed: 85 variant alleles.
Comment: This variant is classified as Benign based on local population frequency. This variant was detected in 89% of patients studied by a panel of primary immunodeficiencies. Number of patients: 85. Only high quality variants are reported.

Mayo Clinic Laboratories, Mayo Clinic
Classification: Benign. Last evaluated: 2022-03-09. Review status: criteria provided, single submitter. Criteria: ACMG Guidelines, 2015. Collection method: clinical testing. Allele origin: germline. Observed: 1,102 variant alleles.

Genome-Nilou Lab
Classification: Benign for Familial Mediterranean fever, autosomal dominant. Last evaluated: 2021-07-01. Review status: criteria provided, single submitter. Criteria: ACMG Guidelines, 2015. Collection method: clinical testing. Allele origin: germline. Affected: no.

Genome-Nilou Lab
Classification: Benign for Familial Mediterranean fever. Last evaluated: 2021-07-01. Review status: criteria provided, single submitter. Criteria: ACMG Guidelines, 2015. Collection method: clinical testing. Allele origin: germline. Affected: no.

Illumina Laboratory Services, Illumina
Classification: Benign for Familial Mediterranean fever. Last evaluated: 2018-01-13. Review status: criteria provided, single submitter. Criteria: ICSL Variant Classification Criteria 13 December 2019. Collection method: clinical testing. Allele origin: germline.
Comment: This variant was observed in the ICSL laboratory as part of a predisposition screen in an ostensibly healthy population. It had not been previously curated by ICSL or reported in the Human Gene Mutation Database (HGMD: prior to June 1st, 2018), and was therefore a candidate for classification through an automated scoring system. Utilizing variant allele frequency, disease prevalence and penetrance estimates, and inheritance mode, an automated score was calculated to assess if this variant is too frequent to cause the disease. Based on the score and internal cut-off values, a variant classified as benign is not then subjected to further curation. The score for this variant resulted in a classification of benign for this disease.

Genome Diagnostics Laboratory, The Hospital for Sick Children
Classification: Benign for Autoinflammatory syndrome. Last evaluated: 2016-12-12. Review status: criteria provided, single submitter. Criteria: ACMG Guidelines, 2015. Collection method: clinical testing. Allele origin: germline. Affected: yes.

Ambry Genetics
Classification: Benign for Inborn genetic diseases. Last evaluated: 2016-07-12. Review status: criteria provided, single submitter. Criteria: Ambry Variant Classification Scheme 2023. Collection method: clinical testing. Allele origin: germline.

GeneDx
Classification: Benign. Last evaluated: 2015-03-03. Review status: criteria provided, single submitter. Criteria: GeneDx Variant Classification Process June 2021. Collection method: clinical testing. Allele origin: germline. Affected: yes.

Women's Health and Genetics/Laboratory Corporation of America, LabCorp
Classification: Benign for Familial Mediterranean Fever. Last evaluated: 2011-08-18. Review status: criteria provided, single submitter. Criteria: LabCorp Variant Classification Summary - May 2015. Collection method: curation, clinical testing. Allele origin: germline. Inheritance: autosomal unknown. Affected: yes.
ClinVar note: Converted during submission from benign to Benign.

Breakthrough Genomics
Classification: Benign. Review status: criteria provided, single submitter. Criteria: ACMG Guidelines, 2015. Collection method: not provided. Allele origin: germline. Inheritance: Autosomal recessive inheritance. Affected: yes.

PreventionGenetics, part of Exact Sciences
Classification: Benign. Review status: criteria provided, single submitter. Criteria: ACMG Guidelines, 2015. Collection method: clinical testing. Allele origin: germline.

Natera, Inc.
Classification: Benign for Familial Mediterranean fever. Last evaluated: 2020-09-16. Review status: no assertion criteria provided. Collection method: clinical testing. Allele origin: germline. Not counted in ClinVar's aggregate classification.

Diagnostic Laboratory, Department of Genetics, University Medical Center Groningen
Classification: Benign. Review status: no assertion criteria provided. Collection method: clinical testing. Allele origin: germline. Affected: yes. Study: VKGL Data-share Consensus. Not counted in ClinVar's aggregate classification.

Genome Diagnostics Laboratory, University Medical Center Utrecht
Classification: Benign. Review status: no assertion criteria provided. Collection method: clinical testing. Allele origin: germline. Affected: yes. Study: VKGL Data-share Consensus. Not counted in ClinVar's aggregate classification.

Literature cited by the submitters: PubMed 10364520 (cited by Women's Health and Genetics/Laboratory Corporation of America, LabCorp); PubMed 9288758 (cited by Women's Health and Genetics/Laboratory Corporation of America, LabCorp).

NM_000243.3(MEFV):c.1422G>A (p.Glu474=)

Gene: MEFV (MEFV innate immunity regulator, pyrin; minus strand). Cytogenetic location: 16p13.3.
Variant type: single nucleotide variant.
Coding change: c.1422G>A on transcript NM_000243.3 (MANE Select); coding-DNA position 1422, G replaced by A.
Protein change: p.Glu474=; no amino-acid change (glutamic acid 474 retained).
Molecular consequence: synonymous variant.
Genome position (GRCh38, 1-based): chr16:3,247,181, C>T on the plus strand (G>A on the coding strand, the complement: MEFV is on the minus strand). VCF-style: chr16-3247181-C-T. GRCh37 (hg19) VCF-style: chr16-3297181-C-T.
Other names: p.Glu474=; c.789G>A, p.Glu263= (NM_001198536.2).
Identifiers: ClinVar variation 36500 (VCV000036500.46), dbSNP rs224208, ClinGen allele CA280248.
Genomic context (GRCh38, chr16:3,247,181, plus strand): 5'-GATCTGCCCAACCATCTGGCCCACGTCCTCCAGTGAGGCCACAAAGAAATGCTCTTGCTG[C>T]TCCAGGAAGTAGTACACCTGCTCCAGCTTCCTCTGCACCCGCTGCTTCAGCGCTTCAGTT-3'
Protein context (NP_000234.1, residues 464-484): RKLEQVYYFL[Glu474=]QQEHFFVASL